The following is an entry in ClinVar:

NM_000489.6(ATRX):c.2830_2832del (p.Glu944del)

Gene: ATRX (ATRX chromatin remodeler; minus strand). Cytogenetic location: Xq21.1.
Variant type: Deletion.
Coding change: c.2830_2832del on transcript NM_000489.6 (MANE Select); coding-DNA positions 2830 to 2832, 3 bases deleted (GAA; older notation c.2830_2832delGAA).
Protein change: p.Glu944del; deletes glutamic acid 944.
Molecular consequence: inframe deletion.
Genome position (GRCh38, 1-based): chrX:77,682,424-77,682,426, TTC deleted on the plus strand (GAA on the coding strand, the reverse complement: ATRX is on the minus strand); deleting any 3 consecutive bases within chrX:77,682,424-77,682,428 gives the same sequence; the c. name uses the placement nearest the transcript's 3' end. VCF-style (leftmost placement, unchanged base first): chrX-77682423-TTTC-T. GRCh37 (hg19) VCF-style: chrX-76937915-TTTC-T.
Other names: c.2716_2718del, p.Glu906del (NM_138270.5); short protein forms E944del, E906del.
Identifiers: ClinVar variation 1043687 (VCV001043687.10), dbSNP rs1338172022, ClinGen allele CA643006482.
Genomic context (GRCh38, chrX:77,682,423, plus strand): 5'-CAATATCAGATAAGCCATCCTGTACTTTTTTACATGTTTTGGTTTTGAGATGCTTGCTCT[TTTC>T]TTTAGTTTCAGCAACTTTTCTAACTTCCAAAGAAGTAAAACTCTCCTCTTTCCCAGAAAG-3'

ClinVar aggregate classification (germline): Uncertain significance. Review status: criteria provided, single submitter (1 of 4 stars). 2 submissions from 2 submitters: Uncertain significance (1). 1 of the submissions does not count toward it. Last evaluated 2021-09-01.

Conditions:
Alpha thalassemia-X-linked intellectual disability syndrome (ATRX). Also called: ALPHA-THALASSEMIA/MENTAL RETARDATION SYNDROME, X-LINKED; ATR, NONDELETION TYPE; ATR-X syndrome; Alpha thalassemia mental retardation syndrome, nondeletion type, X-linked; XLMR hypotonic face syndrome; X-linked alpha-thalassemia-mental retardation syndrome. Identifiers: Orphanet 847, MedGen C1845055, MONDO:0010519, OMIM 301040.

Submissions (2):

Labcorp Genetics (formerly Invitae), Labcorp
Classification: Uncertain significance for Alpha thalassemia-X-linked intellectual disability syndrome. Last evaluated: 2021-09-01. Review status: criteria provided, single submitter. Criteria: Invitae Variant Classification Sherloc (09022015). Collection method: clinical testing. Allele origin: germline.
Comment: This variant, c.2830_2832del, results in the deletion of 1 amino acid(s) of the ATRX protein (p.Glu944del), but otherwise preserves the integrity of the reading frame. This variant is not present in population databases (ExAC no frequency). This variant has not been reported in the literature in individuals affected with ATRX-related conditions. Experimental studies and prediction algorithms are not available or were not evaluated, and the functional significance of this variant is currently unknown. In summary, the available evidence is currently insufficient to determine the role of this variant in disease. Therefore, it has been classified as a Variant of Uncertain Significance.

Natera, Inc.
Classification: Uncertain significance for X-linked alpha-thalassemia-mental retardation syndrome. Last evaluated: 2020-06-29. Review status: no assertion criteria provided. Collection method: clinical testing. Allele origin: germline. Not counted in ClinVar's aggregate classification.